The following is an entry in ClinVar:

NM_005548.3(KARS1):c.93G>T (p.Lys31Asn)

Gene: KARS1 (lysyl-tRNA synthetase 1; minus strand). Cytogenetic location: 16q23.1.
Variant type: single nucleotide variant.
Coding change: c.93G>T on transcript NM_005548.3 (MANE Select); coding-DNA position 93, G replaced by T.
Protein change: p.Lys31Asn; replaces lysine 31 with asparagine.
Molecular consequence: missense variant. On other transcripts: 5 prime UTR variant (1).
Genome position (GRCh38, 1-based): chr16:75,641,693, C>A on the plus strand (G>T on the coding strand, the complement: KARS1 is on the minus strand). VCF-style: chr16-75641693-C-A. GRCh37 (hg19) VCF-style: chr16-75675591-C-A.
Other names: c.177G>T, p.Lys59Asn (NM_001130089.2); c.-376G>T (NM_001378148.1); short protein forms K59N, K31N.
Identifiers: ClinVar variation 595875 (VCV000595875.9), dbSNP rs750104318, ClinGen allele CA8177747.

ClinVar aggregate classification (germline): Uncertain significance. Review status: criteria provided, multiple submitters, no conflicts (2 of 4 stars). 2 submissions from 2 submitters: Uncertain significance (2). Last evaluated 2023-09-23.

Allele frequency attached by ClinVar (database versions not stated): gnomAD exomes 0.00003; ExAC 0.00001; gnomAD 0.00002; TOPMed 0.00002.
gnomAD v4.1: 21 of 1,613,864 alleles (0.0013%); highest among the groups gnomAD compares: Admixed American, 0.013%; no homozygotes.

Submissions (2):

Labcorp Genetics (formerly Invitae), Labcorp
Classification: Uncertain significance. Last evaluated: 2023-09-23. Review status: criteria provided, single submitter. Criteria: Invitae Variant Classification Sherloc (09022015). Collection method: clinical testing. Allele origin: germline.
Comment: An algorithm developed to predict the effect of missense changes on protein structure and function (PolyPhen-2) suggests that this variant is likely to be disruptive. ClinVar contains an entry for this variant (Variation ID: 595875). This variant has not been reported in the literature in individuals affected with KARS-related conditions. This variant is present in population databases (rs750104318, gnomAD 0.01%). This sequence change replaces lysine, which is basic and polar, with asparagine, which is neutral and polar, at codon 59 of the KARS protein (p.Lys59Asn). In summary, the available evidence is currently insufficient to determine the role of this variant in disease. Therefore, it has been classified as a Variant of Uncertain Significance.

Eurofins Ntd Llc (ga)
Classification: Uncertain significance. Last evaluated: 2018-02-13. Review status: criteria provided, single submitter. Criteria: EGL ClinVar v180209 classification definitions. Collection method: clinical testing. Allele origin: germline. Observed: 1 variant allele, 1 heterozygote.